The following continues an entry in ClinVar:

NM_000138.5(FBN1):c.4727T>C (p.Met1576Thr)

Gene: FBN1. ClinVar aggregate classification (germline): Conflicting classifications of pathogenicity. Uncertain significance (8); Likely benign (4).

Submissions 8 to 13 of 13:

Ambry Genetics
Classification: Likely benign for Familial thoracic aortic aneurysm and aortic dissection. Last evaluated: 2023-09-29. Review status: criteria provided, single submitter. Criteria: Ambry Variant Classification Scheme 2023. Collection method: clinical testing. Allele origin: germline.

CHEO Genetics Diagnostic Laboratory, Children's Hospital of Eastern Ontario
Classification: Uncertain significance for Familial thoracic aortic aneurysm and aortic dissection. Last evaluated: 2023-02-17. Review status: criteria provided, single submitter. Criteria: ACMG Guidelines, 2015. Collection method: clinical testing. Allele origin: germline.

Fulgent Genetics
Classification: Uncertain significance for Acromicric dysplasia; Ectopia lentis 1, isolated, autosomal dominant; Marfan syndrome; Stiff skin syndrome; MASS syndrome; Weill-Marchesani syndrome 2, dominant; Geleophysic dysplasia 2; Progeroid and marfanoid aspect-lipodystrophy syndrome. Last evaluated: 2022-04-06. Review status: criteria provided, single submitter. Criteria: ACMG Guidelines, 2015. Collection method: clinical testing. Allele origin: unknown.

Mayo Clinic Laboratories, Mayo Clinic
Classification: Uncertain significance. Last evaluated: 2020-02-19. Review status: criteria provided, single submitter. Criteria: ACMG Guidelines, 2015. Collection method: clinical testing. Allele origin: germline. Observed: 1 variant allele.

Laboratory for Molecular Medicine, Mass General Brigham Personalized Medicine
Classification: Uncertain significance. Last evaluated: 2017-02-03. Review status: criteria provided, single submitter. Criteria: LMM Criteria. Collection method: clinical testing. Allele origin: germline.
Comment: Variant identified in a genome or exome case(s) and assessed due to predicted null impact of the variant or pathogenic assertions in the literature or databases. Disclaimer: This variant has not undergone full assessment. The following are preliminary notes: This variant is present in HGMD in 2 papers, associated with Marfan syndrome. It is present in one individual with isolated dilation of the ascending aorta and one with Marfan syndrome. It is classified in ClinVar with 2 stars as VUS by GeneDx and Invitae. The variant has a Max MAF in ExAC of 0.015% (10 alleles) and in gnomAD of 0.02% (31 alleles). Max prevalence of Marfan is 1/3000. This AA is not conserved and Zebra Finch has a Thr at this position.

PreventionGenetics, part of Exact Sciences
Classification: Uncertain significance for FBN1-related condition. Last evaluated: 2024-01-03. Review status: no assertion criteria provided. Collection method: clinical testing. Allele origin: germline. Not counted in ClinVar's aggregate classification.
Comment: The FBN1 c.4727T>C variant is predicted to result in the amino acid substitution p.Met1576Thr. This variant has been reported in the heterozygous state in patients with aortic dissection/dilation (Rommel et al. 2005. PubMed ID: 16220557 and Sheikhzadeh et al. 2012. PubMed ID: 21883168), an individual undergoing testing for suspected Marfan syndrome (Rybczynski et al. 2008. PubMed ID: 19012347), as well as patients with adolescent idiopathic scoliosis (Buchan et al. 2014. PubMed ID: 24833718 and Haller et al. 2015. PubMed ID: 26333736). To our knowledge, no functional studies were performed to help assess the pathogenicity of this variant. This variant has been documented in 34 heterozygous individuals in gnomAD and was interpreted as a variant of uncertain significance in the ClinVar database. At this time, the clinical significance of this variant is uncertain due to the absence of conclusive functional and genetic evidence.

Literature cited by the submitters: PubMed 16220557 (cited by 4 submitters); PubMed 19012347 (cited by Women's Health and Genetics/Laboratory Corporation of America, LabCorp and Ambry Genetics); PubMed 21883168 (cited by Women's Health and Genetics/Laboratory Corporation of America, LabCorp and Ambry Genetics); PubMed 26333736 (cited by Women's Health and Genetics/Laboratory Corporation of America, LabCorp and Ambry Genetics); PubMed 24833718 (cited by 4 submitters); PubMed 28659821 (cited by Women's Health and Genetics/Laboratory Corporation of America, LabCorp); PubMed 31211626 (cited by Women's Health and Genetics/Laboratory Corporation of America, LabCorp and Ambry Genetics); PubMed 31163209 (cited by 3 submitters); PubMed 37684520 (cited by Ambry Genetics).